The following is an entry in ClinVar:

ClinVar aggregate classification (germline): Pathogenic (0 of 4 stars; one submission).

Conditions:
BBS9-related disorder. Also called: BBS9-related condition.

gnomAD v4.1: 3 of 1,593,710 alleles (0.00019%); highest among the groups gnomAD compares: South Asian, 0.0022%; no homozygotes.

Submission:

PreventionGenetics, part of Exact Sciences
Classification: Pathogenic for BBS9-related condition. Last evaluated: 2024-06-07. Review status: no assertion criteria provided. Collection method: clinical testing. Allele origin: germline.
Comment: The BBS9 c.1198+1G>A variant is predicted to disrupt the GT donor site and interfere with normal splicing. This variant has been reported in the compound heterozygous state in an individual with Bardet-Biedl syndrome (Meng et al. 2021. PubMed ID: 33777945). This variant is reported in 0.0034% of alleles in individuals of South Asian descent in gnomAD. Variants that disrupt the consensus splice donor site in BBS9 are expected to be pathogenic. This variant is interpreted as pathogenic.

NM_198428.3(BBS9):c.1198+1G>A

Gene: BBS9 (Bardet-Biedl syndrome 9; plus strand). Cytogenetic location: 7p14.3.
Variant type: single nucleotide variant.
Coding change: c.1198+1G>A on transcript NM_198428.3 (MANE Select); the canonical splice donor site of the intron after coding-DNA position 1198, G replaced by A.
Molecular consequence: splice donor variant.
Genome position (GRCh38, 1-based): chr7:33,336,623, G>A. VCF-style: chr7-33336623-G-A. GRCh37 (hg19) VCF-style: chr7-33376235-G-A.
Other names: c.1198+1G>A (NM_001348036.1, NM_001362679.1, NM_001348041.4 and 5 more transcripts); c.925+1G>A (NM_001348038.3, NM_001348039.3); c.832+1G>A (NM_001348037.3, NM_001348045.3, NM_001348046.3 and 1 more transcripts); c.1063+1G>A (NM_001348042.3).
Identifiers: ClinVar variation 3346362 (VCV003346362.2).